The following is an entry in ClinVar:

ClinVar aggregate classification (germline): Pathogenic (1 of 4 stars; one submission).

Conditions:
Developmental and epileptic encephalopathy. Identifiers: MedGen C5779964, MONDO:0100620.

Submission:

Unidad de Genómica Garrahan, Hospital de Pediatría Garrahan
Classification: Pathogenic for Developmental and epileptic encephalopathy. Last evaluated: 2023-01-01. Review status: criteria provided, single submitter. Criteria: ACMG Guidelines, 2015. Collection method: clinical testing. Allele origin: de novo. Affected: yes. Observed: 1 variant allele.
Comment: PVS1_very strong, PM2_supporting, PM6_moderate.

NM_001270.4(CHD1):c.192dup (p.Glu65Ter)

Genes: CHD1 (chromodomain helicase DNA binding protein 1; minus strand), LOC126807465 (P300/CBP strongly-dependent group 1 enhancer GRCh37_chr5:98240158-98241357; plus strand). Cytogenetic location: 5q21.1.
Variant type: Duplication.
Coding change: c.192dup on transcript NM_001270.4 (MANE Select); coding-DNA position 192, one base duplicated (T; older notation c.192dupT).
Protein change: p.Glu65Ter; replaces glutamic acid 65 with a stop codon.
Molecular consequence: nonsense. On other transcripts: non-coding transcript variant (2).
Genome position (GRCh38, 1-based): chr5:98,904,960, A duplicated on the plus strand (T on the coding strand, the reverse complement: CHD1 is on the minus strand). VCF-style (leftmost placement, unchanged base first): chr5-98904959-C-CA. GRCh37 (hg19) VCF-style: chr5-98240663-C-CA.
Other names: NP_001261.2:p.(Glu65Ter); c.192dup, p.Glu65Ter (NM_001364113.3, NM_001376194.2); short protein forms E65*.
Identifiers: ClinVar variation 4851546 (VCV004851546.1).